The following is an entry in ClinVar:

NM_206933.4(USH2A):c.12306C>G (p.Ile4102Met)

Gene: USH2A (usherin; minus strand). Cytogenetic location: 1q41.
Variant type: single nucleotide variant.
Coding change: c.12306C>G on transcript NM_206933.4 (MANE Select); coding-DNA position 12306, C replaced by G.
Protein change: p.Ile4102Met; replaces isoleucine 4102 with methionine.
Molecular consequence: missense variant.
Genome position (GRCh38, 1-based): chr1:215,675,605, G>C on the plus strand (C>G on the coding strand, the complement: USH2A is on the minus strand). VCF-style: chr1-215675605-G-C. GRCh37 (hg19) VCF-style: chr1-215848947-G-C.
Other names: short protein forms I4102M.
Identifiers: ClinVar variation 1468410 (VCV001468410.6), dbSNP rs2102667184, ClinGen allele CA344851330.

ClinVar aggregate classification (germline): Uncertain significance (1 of 4 stars; one submission).

Submission:

Labcorp Genetics (formerly Invitae), Labcorp
Classification: Uncertain significance. Last evaluated: 2024-10-21. Review status: criteria provided, single submitter. Criteria: Invitae Variant Classification Sherloc (09022015). Collection method: clinical testing. Allele origin: germline.
Comment: This sequence change replaces isoleucine, which is neutral and non-polar, with methionine, which is neutral and non-polar, at codon 4102 of the USH2A protein (p.Ile4102Met). This variant is not present in population databases (gnomAD no frequency). This variant has not been reported in the literature in individuals affected with USH2A-related conditions. ClinVar contains an entry for this variant (Variation ID: 1468410). Invitae Evidence Modeling of protein sequence and biophysical properties (such as structural, functional, and spatial information, amino acid conservation, physicochemical variation, residue mobility, and thermodynamic stability) indicates that this missense variant is not expected to disrupt USH2A protein function with a negative predictive value of 95%. In summary, the available evidence is currently insufficient to determine the role of this variant in disease. Therefore, it has been classified as a Variant of Uncertain Significance.